The following is an entry in ClinVar:

NM_000180.4(GUCY2D):c.745G>A (p.Val249Met)

Gene: GUCY2D (guanylate cyclase 2D, retinal; plus strand). Cytogenetic location: 17p13.1.
Variant type: single nucleotide variant.
Coding change: c.745G>A on transcript NM_000180.4 (MANE Select); coding-DNA position 745, G replaced by A.
Protein change: p.Val249Met; replaces valine 249 with methionine.
Molecular consequence: missense variant.
Genome position (GRCh38, 1-based): chr17:8,003,875, G>A. VCF-style: chr17-8003875-G-A. GRCh37 (hg19) VCF-style: chr17-7907193-G-A.
Other names: short protein forms V249M.
Identifiers: ClinVar variation 4268061 (VCV004268061.2).
Genomic context (GRCh38, chr17:8,003,875, plus strand): 5'-AGCCGGACGGCGCCGCGAGCCAAGCCTCTGTCCGCAGCAGTGATCATGGTGATGCACTCG[G>A]TGCTGCTGGGTGGCGAGGAGCAGCGCTACCTCCTGGAGGCCGCAGAGGAGCTGGGCCTGA-3'
Protein context (NP_000171.1, residues 239-259): VTAVIMVMHS[Val249Met]LLGGEEQRYL

ClinVar aggregate classification (germline): Uncertain significance. Review status: criteria provided, multiple submitters, no conflicts (2 of 4 stars). 2 submissions from 2 submitters: Uncertain significance (2). Last evaluated 2025-11-10.

Conditions:
Inborn genetic diseases. Identifiers: MedGen C0950123, MeSH D030342.
Cone-rod dystrophy 6 (CORD6). Also called: RETINAL CONE DYSTROPHY 2; Cone dystrophy progressive. Identifiers: Orphanet 1872, MedGen C1866293, MONDO:0011143, OMIM 601777.
Leber congenital amaurosis 1 (LCA1). Also called: AMAUROSIS CONGENITA OF LEBER I; RETINAL BLINDNESS, CONGENITAL; Congenital absence of the rods and cones; Leber's congenital tapetoretinal degeneration; Leber's congenital tapetoretinal dysplasia. Identifiers: Orphanet 65, MedGen C2931258, MONDO:0008764, OMIM 204000.

gnomAD v4.1: 1 of 1,613,002 alleles (0.000062%); highest among the groups gnomAD compares: African/African-American, 0.0013%; no homozygotes.

Submissions (2):

Labcorp Genetics (formerly Invitae), Labcorp
Classification: Uncertain significance for Leber congenital amaurosis 1; Cone-rod dystrophy 6. Last evaluated: 2025-11-10. Review status: criteria provided, single submitter. Criteria: Invitae Variant Classification Sherloc (09022015). Collection method: clinical testing. Allele origin: germline.
Comment: This sequence change replaces valine, which is neutral and non-polar, with methionine, which is neutral and non-polar, at codon 249 of the GUCY2D protein (p.Val249Met). This variant is present in population databases (no rsID available, gnomAD 0.02%). This variant has not been reported in the literature in individuals affected with GUCY2D-related conditions. ClinVar contains an entry for this variant (Variation ID: 4268061). Invitae Evidence Modeling of protein sequence and biophysical properties (such as structural, functional, and spatial information, amino acid conservation, physicochemical variation, residue mobility, and thermodynamic stability) indicates that this missense variant is not expected to disrupt GUCY2D protein function with a negative predictive value of 80%. In summary, the available evidence is currently insufficient to determine the role of this variant in disease. Therefore, it has been classified as a Variant of Uncertain Significance.

Ambry Genetics
Classification: Uncertain significance for Inborn genetic diseases. Last evaluated: 2025-06-26. Review status: criteria provided, single submitter. Criteria: Ambry Variant Classification Scheme 2023. Collection method: clinical testing. Allele origin: germline.